The following is an entry in ClinVar:

NM_001048174.2(MUTYH):c.1138A>T (p.Thr380Ser)

Gene: MUTYH (mutY DNA glycosylase; minus strand). Cytogenetic location: 1p34.1.
Variant type: single nucleotide variant.
Coding change: c.1138A>T on transcript NM_001048174.2 (MANE Select); coding-DNA position 1138, A replaced by T.
Protein change: p.Thr380Ser; replaces threonine 380 with serine.
Molecular consequence: missense variant. On other transcripts: non-coding transcript variant (7).
Genome position (GRCh38, 1-based): chr1:45,331,521, T>A on the plus strand (A>T on the coding strand, the complement: MUTYH is on the minus strand). VCF-style: chr1-45331521-T-A. GRCh37 (hg19) VCF-style: chr1-45797193-T-A.
Other names: c.1138A>T, p.Thr380Ser (NM_001048171.2, NM_001048173.2, NM_001293195.2 and 6 more transcripts); c.1141A>T, p.Thr381Ser (NM_001048172.2, NM_001407071.1, NM_001407078.1 and 1 more transcripts); c.1222A>T, p.Thr408Ser (NM_001128425.2); c.1183A>T, p.Thr395Ser (NM_001293190.2); c.1171A>T, p.Thr391Ser (NM_001293191.2, NM_001407069.1, NM_001407077.1); c.862A>T, p.Thr288Ser (NM_001293192.2, NM_001293196.2, NM_001407091.1); c.793A>T, p.Thr265Ser (NM_001350650.2, NM_001350651.2, NM_001407082.1); c.1054A>T, p.Thr352Ser (NM_001407075.1); and 5 more; short protein forms T352S, T367S, T381S, T387S, T405S, T395S, T408S, T288S.
Identifiers: ClinVar variation 4113090 (VCV004113090.1).
Genomic context (GRCh38, chr1:45,331,521, plus strand): 5'-CCCAACGCTGTAGTTCCTGCAGCAGGGCCTTGCGCTGAAGCTGCTCTGAGGGCTCCCAGG[T>A]CACGGACGGGAACTCCCACAGTCCTGCCAGCAGACCTGAGAGGGAGGGCAGCCAGGCAGG-3'
Protein context (NP_001041639.1, residues 370-390): LAGLWEFPSV[Thr380Ser]WEPSEQLQRK

ClinVar aggregate classification (germline): Uncertain significance (1 of 4 stars; one submission).

Conditions:
Hereditary cancer-predisposing syndrome. Also called: Tumor predisposition; Neoplastic Syndromes, Hereditary; Hereditary neoplastic syndrome; Hereditary Cancer Syndrome. Identifiers: Orphanet 140162, MedGen C0027672, MeSH D009386, MONDO:0015356.

Submission:

Ambry Genetics
Classification: Uncertain significance for Hereditary cancer-predisposing syndrome. Last evaluated: 2025-08-27. Review status: criteria provided, single submitter. Criteria: Ambry Variant Classification Scheme 2023. Collection method: clinical testing. Allele origin: germline.
Comment: The p.T408S variant (also known as c.1222A>T), located in coding exon 13 of the MUTYH gene, results from an A to T substitution at nucleotide position 1222. The threonine at codon 408 is replaced by serine, an amino acid with similar properties. This amino acid position is conserved. In addition, this alteration is predicted to be tolerated by in silico analysis. Based on the available evidence, the clinical significance of this variant remains unclear.